The following is an entry in ClinVar:

ClinVar aggregate classification (germline): Likely benign (1 of 4 stars; one submission).

Allele frequency attached by ClinVar (database versions not stated): ESP Exome Variant Server 0.00009.
gnomAD v4.1: 60 of 1,204,815 alleles (0.005%); highest among the groups gnomAD compares: Non-Finnish European, 0.0064%; no homozygotes.

Submission:

CeGaT Center for Human Genetics Tuebingen
Classification: Likely benign. Last evaluated: 2023-04-01. Review status: criteria provided, single submitter. Criteria: CeGaT Center For Human Genetics Tuebingen Variant Classification Criteria Version 2. Collection method: clinical testing. Allele origin: germline. Affected: yes. Observed: 1 variant allele.
Comment: SHROOM4: BP7

NM_020717.5(SHROOM4):c.66C>T (p.Gly22=)

Gene: SHROOM4 (shroom family member 4; minus strand). Cytogenetic location: Xp11.22.
Variant type: single nucleotide variant.
Coding change: c.66C>T on transcript NM_020717.5 (MANE Select); coding-DNA position 66, C replaced by T.
Protein change: p.Gly22=; no amino-acid change (glycine 22 retained).
Molecular consequence: synonymous variant. On other transcripts: non-coding transcript variant (2).
Genome position (GRCh38, 1-based): chrX:50,813,953, G>A on the plus strand (C>T on the coding strand, the complement: SHROOM4 is on the minus strand). VCF-style: chrX-50813953-G-A. GRCh37 (hg19) VCF-style: chrX-50556953-G-A.
Identifiers: ClinVar variation 1676163 (VCV001676163.33), dbSNP rs145051435, ClinGen allele CA10416442.